The following is an entry in ClinVar:

NM_014795.4(ZEB2):c.3031del (p.Ser1011fs)

Gene: ZEB2 (zinc finger E-box binding homeobox 2; minus strand). Cytogenetic location: 2q22.3.
Variant type: Deletion.
Coding change: c.3031del on transcript NM_014795.4 (MANE Select); coding-DNA position 3031, one base deleted (A; older notation c.3031delA).
Protein change: p.Ser1011fs; shifts the reading frame from serine 1011.
Molecular consequence: frameshift variant.
Genome position (GRCh38, 1-based): chr2:144,396,448, T deleted on the plus strand (A on the coding strand, the reverse complement: ZEB2 is on the minus strand); the first of 4 consecutive T bases (chr2:144,396,448-144,396,451); deleting any one gives the same sequence. VCF-style (leftmost placement, unchanged base first): chr2-144396447-CT-C. GRCh37 (hg19) VCF-style: chr2-145154014-CT-C.
Other names: c.2959del, p.Ser987fs (NM_001171653.2); short protein forms S1011fs, S987fs.
Identifiers: ClinVar variation 2632784 (VCV002632784.3), dbSNP rs2549104792, ClinGen allele CA2586970066.
Genomic context (GRCh38, chr2:144,396,447, plus strand): 5'-ACCAGTTAGGCAAAGTCACTCATACCTGTGTGTTCGTATTTATGTCGCAGAAGGGAACTG[CT>C]TTTCTGGAATGTCTTGTCACATAAGTCACATGCATACATGCCACTCTCTGTCTTCTTGAT-3'

ClinVar aggregate classification (germline): Pathogenic. Review status: criteria provided, multiple submitters, no conflicts (2 of 4 stars). 2 submissions from 2 submitters: Pathogenic (2). Last evaluated 2023-10-20.

Conditions:
Mowat-Wilson syndrome (MOWS). Also called: Classic Mowat-Wilson Syndrome. Identifiers: Orphanet 2152, MedGen C1856113, MONDO:0009341, OMIM 235730.
ZEB2-related disorder. Also called: ZEB2-related condition.

Submissions (2):

Medical Genetics Unit, Azienda USL-IRCCS di Reggio Emilia
Classification: Pathogenic for Mowat-Wilson syndrome. Last evaluated: 2023-10-20. Review status: criteria provided, single submitter. Criteria: ACMG Guidelines, 2015. Collection method: clinical testing. Allele origin: de novo. Affected: yes. Observed: 1 variant allele.
Comment: Heterozygous variant associated with Mowat-Wilson syndrome in at least 1 individual. ACMG/AMP criteria PS2, PM1, PM2, PM4, PP4

PreventionGenetics, part of Exact Sciences
Classification: Pathogenic for ZEB2-related condition. Last evaluated: 2023-04-25. Review status: criteria provided, single submitter. Criteria: ACMG Guidelines, 2015. Collection method: clinical testing. Allele origin: germline.
Comment: The ZEB2 c.3031delA variant is predicted to result in a frameshift and premature protein termination (p.Ser1011Alafs*64). This variant was reported in two patients with Mowat-Wilson syndrome (Ivanovski et al. 2018. PubMed ID: 29300384; Cordelli et al. 2013. PubMed ID: 23322667 ). This variant has not been reported in a large population database, indicating this variant is rare. Frameshift variants in ZEB2 are expected to be pathogenic. This variant is interpreted as pathogenic.

Literature cited by the submitters: PubMed 29300384 (cited by Medical Genetics Unit, Azienda USL-IRCCS di Reggio Emilia).